The following is an entry in ClinVar:

ClinVar aggregate classification (germline): Conflicting classifications of pathogenicity. Review status: criteria provided, conflicting classifications (1 of 4 stars). 7 submissions from 7 submitters: Uncertain significance (1); Likely benign (6). Last evaluated 2025-11-22.

Conditions:
Hereditary cancer-predisposing syndrome. Also called: Tumor predisposition; Neoplastic Syndromes, Hereditary; Hereditary neoplastic syndrome; Hereditary Cancer Syndrome. Identifiers: Orphanet 140162, MedGen C0027672, MeSH D009386, MONDO:0015356.
Juvenile polyposis syndrome (JPS). Identifiers: Orphanet 2929, MedGen C0345893, MONDO:0017380, OMIM 174900.
Juvenile polyposis/hereditary hemorrhagic telangiectasia syndrome (JPHT). Also called: JP/HHT SYNDROME; JUVENILE POLYPOSIS WITH HEREDITARY HEMORRHAGIC TELANGIECTASIA; POLYPOSIS, GENERALIZED JUVENILE, WITH PULMONARY ARTERIOVENOUS MALFORMATION; TELANGIECTASIA, HEREDITARY HEMORRHAGIC, WITH JUVENILE POLYPOSIS COLI; Juvenile Polyposis Syndrome / Hereditary Hemorrhagic Telangiectasia (JPS/HHT). Identifiers: Orphanet 2929, MedGen C1832942, MONDO:0008278, OMIM 175050.

Allele frequency attached by ClinVar (database versions not stated): gnomAD exomes below 0.00001; TOPMed 0.00001.
gnomAD v4.1: 6 of 1,590,490 alleles (0.00038%); highest among the groups gnomAD compares: Non-Finnish European, 0.00034%; no homozygotes.

Submissions (7):

Labcorp Genetics (formerly Invitae), Labcorp
Classification: Likely benign for Juvenile polyposis syndrome. Last evaluated: 2025-11-22. Review status: criteria provided, single submitter. Criteria: Invitae Variant Classification Sherloc (09022015). Collection method: clinical testing. Allele origin: germline.

Myriad Genetics, Inc.
Classification: Likely benign for Juvenile polyposis/hereditary hemorrhagic telangiectasia syndrome. Last evaluated: 2025-03-19. Review status: criteria provided, single submitter. Criteria: Myriad Autosomal Dominant, Autosomal Recessive and X-Linked Classification Criteria (2023). Collection method: clinical testing. Allele origin: unknown.
Comment: This variant is considered likely benign. This variant is intronic and is not expected to impact mRNA splicing.

All of Us Research Program, National Institutes of Health
Classification: Likely benign for Juvenile polyposis/hereditary hemorrhagic telangiectasia syndrome. Last evaluated: 2023-11-30. Review status: criteria provided, single submitter. Criteria: ACMG Guidelines, 2015. Collection method: clinical testing. Allele origin: germline. Inheritance: Autosomal dominant inheritance. Observed: 2 variant alleles, 2 heterozygotes.
Comment: This study involves interpretation of variants in research participants for the purpose of population health screening. Participant phenotype was not available at the time of variant classification. Additional details can be found in publication PMID: 35346344, PMCID: PMC8962531

Color Diagnostics, LLC DBA Color Health
Classification: Likely benign for Hereditary cancer-predisposing syndrome. Last evaluated: 2023-03-01. Review status: criteria provided, single submitter. Criteria: ACMG Guidelines, 2015. Collection method: clinical testing. Allele origin: germline.

Blueprint Genetics
Classification: Likely benign. Last evaluated: 2021-12-14. Review status: criteria provided, single submitter. Criteria: ACMG Guidelines, 2015. Collection method: clinical testing. Allele origin: germline.

Sema4
Classification: Uncertain significance for Hereditary cancer-predisposing syndrome. Last evaluated: 2021-04-21. Review status: criteria provided, single submitter. Criteria: Sema4 Curation Guidelines. Collection method: curation. Allele origin: germline.
Comment: The SMAD4 c.455-8C>T variant has not been reported in the literature to our knowledge. It was not observed in the large and broad cohorts of the Genome Aggregation Database. The variant has been reported in ClinVar (Variation ID 378926). In silico tools suggest the impact of the variant on protein function is benign, though these predictions have not been confirmed by functional studies. The evidence is insufficient to meet ACMG/AMP criteria for classifying the variant as benign or pathogenic. Thus, the clinical significance of this variant is currently uncertain.

GeneDx
Classification: Likely benign. Last evaluated: 2017-08-25. Review status: criteria provided, single submitter. Criteria: GeneDx Variant Classification (06012015). Collection method: clinical testing. Allele origin: germline. Affected: yes.
Comment: This variant is considered likely benign or benign based on one or more of the following criteria: it is a conservative change, it occurs at a poorly conserved position in the protein, it is predicted to be benign by multiple in silico algorithms, and/or has population frequency not consistent with disease.

NM_005359.6(SMAD4):c.455-8C>T

Gene: SMAD4 (SMAD family member 4; plus strand). Cytogenetic location: 18q21.2.
Variant type: single nucleotide variant.
Coding change: c.455-8C>T on transcript NM_005359.6 (MANE Select); 8 bases into the intron before coding-DNA position 455, C replaced by T.
Molecular consequence: intron variant.
Genome position (GRCh38, 1-based): chr18:51,054,773, C>T. VCF-style: chr18-51054773-C-T. GRCh37 (hg19) VCF-style: chr18-48581143-C-T.
Identifiers: ClinVar variation 378926 (VCV000378926.21), dbSNP rs1057520412, ClinGen allele CA16607947.